The following is an entry in ClinVar:

NM_006739.4(MCM5):c.1954G>A (p.Ala652Thr)

Gene: MCM5 (minichromosome maintenance complex component 5; plus strand). Cytogenetic location: 22q12.3.
Variant type: single nucleotide variant.
Coding change: c.1954G>A on transcript NM_006739.4 (MANE Select); coding-DNA position 1954, G replaced by A.
Protein change: p.Ala652Thr; replaces alanine 652 with threonine.
Molecular consequence: missense variant.
Genome position (GRCh38, 1-based): chr22:35,421,439, G>A. VCF-style: chr22-35421439-G-A. GRCh37 (hg19) VCF-style: chr22-35817432-G-A.
Other names: short protein forms A652T.
Identifiers: ClinVar variation 2958355 (VCV002958355.3), dbSNP rs1454309402, ClinGen allele CA411350221.

ClinVar aggregate classification (germline): Uncertain significance (1 of 4 stars; one submission).

Allele frequency attached by ClinVar (database versions not stated): gnomAD exomes below 0.00001; gnomAD 0.00001; TOPMed 0.00001.
gnomAD v4.1: 2 of 1,614,056 alleles (0.00012%); highest among the groups gnomAD compares: Admixed American, 0.0017%; no homozygotes.

Submission:

Labcorp Genetics (formerly Invitae), Labcorp
Classification: Uncertain significance. Last evaluated: 2023-07-03. Review status: criteria provided, single submitter. Criteria: Invitae Variant Classification Sherloc (09022015). Collection method: clinical testing. Allele origin: germline.
Comment: This variant is not present in population databases (gnomAD no frequency). In summary, the available evidence is currently insufficient to determine the role of this variant in disease. Therefore, it has been classified as a Variant of Uncertain Significance. Advanced modeling of protein sequence and biophysical properties (such as structural, functional, and spatial information, amino acid conservation, physicochemical variation, residue mobility, and thermodynamic stability) has been performed at Invitae for this missense variant, however the output from this modeling did not meet the statistical confidence thresholds required to predict the impact of this variant on MCM5 protein function. This variant has not been reported in the literature in individuals affected with MCM5-related conditions. This sequence change replaces alanine, which is neutral and non-polar, with threonine, which is neutral and polar, at codon 652 of the MCM5 protein (p.Ala652Thr).